The following is an entry in ClinVar:

NM_000432.4(MYL2):c.353+6T>A

Gene: MYL2 (myosin light chain 2; minus strand). Cytogenetic location: 12q24.11.
Variant type: single nucleotide variant.
Coding change: c.353+6T>A on transcript NM_000432.4 (MANE Select); 6 bases into the intron after coding-DNA position 353, T replaced by A.
Molecular consequence: intron variant.
Genome position (GRCh38, 1-based): chr12:110,913,240, A>T on the plus strand (T>A on the coding strand, the complement: MYL2 is on the minus strand). VCF-style: chr12-110913240-A-T. GRCh37 (hg19) VCF-style: chr12-111351044-A-T.
Identifiers: ClinVar variation 218455 (VCV000218455.14), dbSNP rs372824804, ClinGen allele CA042041.

ClinVar aggregate classification (germline): Uncertain significance. Review status: criteria provided, multiple submitters, no conflicts (2 of 4 stars). 5 submissions from 5 submitters: Uncertain significance (5). Last evaluated 2026-01-21.

Conditions:
Cardiovascular phenotype. Identifiers: MedGen CN230736.
Cardiomyopathy (CMYO). Also called: Cardiomyopathies. Identifiers: Orphanet 167848, MedGen C0878544, MONDO:0004994, HP:0001638. Inheritance: Various modes of inheritance.
Hypertrophic cardiomyopathy 10. Also called: CARDIOMYOPATHY, HYPERTROPHIC, MID-LEFT VENTRICULAR CHAMBER TYPE, 2; MYL2-Related Familial Hypertrophic Cardiomyopathy. Identifiers: MedGen C1834460, MONDO:0012112, OMIM 608758.
Hypertrophic cardiomyopathy. Also called: HYPERTROPHIC MYOCARDIOPATHY. Identifiers: Orphanet 217569, MedGen C0007194, MeSH D002312, MONDO:0005045, HP:0001639.

Allele frequency attached by ClinVar (database versions not stated): gnomAD exomes below 0.00001 and 0.00003; TOPMed 0.00001; ExAC 0.00002; ESP Exome Variant Server 0.00008.
gnomAD v4.1: 48 of 1,614,170 alleles (0.003%); highest among the groups gnomAD compares: Non-Finnish European, 0.0039%; no homozygotes.

Submissions (5):

Labcorp Genetics (formerly Invitae), Labcorp
Classification: Uncertain significance for Hypertrophic cardiomyopathy 10. Last evaluated: 2026-01-21. Review status: criteria provided, single submitter. Criteria: Invitae Variant Classification Sherloc (09022015). Collection method: clinical testing. Allele origin: germline.
Comment: This sequence change falls in intron 5 of the MYL2 gene. It does not directly change the encoded amino acid sequence of the MYL2 protein. It affects a nucleotide within the consensus splice site. This variant is present in population databases (rs372824804, gnomAD 0.002%). This variant has not been reported in the literature in individuals affected with MYL2-related conditions. ClinVar contains an entry for this variant (Variation ID: 218455). Variants that disrupt the consensus splice site are a relatively common cause of aberrant splicing (PMID: 17576681, 9536098). Algorithms developed to predict the effect of sequence changes on RNA splicing suggest that this variant may disrupt the consensus splice site. In summary, the available evidence is currently insufficient to determine the role of this variant in disease. Therefore, it has been classified as a Variant of Uncertain Significance.

Molecular Diagnostic Laboratory for Inherited Cardiovascular Disease, Montreal Heart Institute
Classification: Uncertain significance for Cardiovascular phenotype. Last evaluated: 2025-04-09. Review status: criteria provided, single submitter. Criteria: ACMG Guidelines, 2015. Collection method: clinical testing. Allele origin: germline. Affected: yes.
Comment: PVS1_mod

All of Us Research Program, National Institutes of Health
Classification: Uncertain significance for Hypertrophic cardiomyopathy. Last evaluated: 2024-02-05. Review status: criteria provided, single submitter. Criteria: ACMG Guidelines, 2015. Collection method: clinical testing. Allele origin: germline. Inheritance: Autosomal dominant inheritance. Observed: 1 variant allele, 1 heterozygote.
Comment: This variant causes a T to A nucleotide substitution at the +6 position of intron 5 of the MYL2 gene. Splice site prediction tools suggest that this variant may have a significant impact on RNA splicing. However, this prediction has not been confirmed in published RNA studies. This variant has not been reported in individuals affected with MYL2-related disorders in the literature. This variant has been identified in 1/251482 chromosomes in the general population by the Genome Aggregation Database (gnomAD). The available evidence is insufficient to determine the role of this variant in disease conclusively. Therefore, this variant is classified as a Variant of Uncertain Significance.

This study involves interpretation of variants in research participants for the purpose of population health screening. Participant phenotype was not available at the time of variant classification. Additional details can be found in publication PMID: 35346344, PMCID: PMC8962531

Color Diagnostics, LLC DBA Color Health
Classification: Uncertain significance for Cardiomyopathy. Last evaluated: 2023-09-25. Review status: criteria provided, single submitter. Criteria: ACMG Guidelines, 2015. Collection method: clinical testing. Allele origin: germline.
Comment: This variant causes a T to A nucleotide substitution at the +6 position of intron 5 of the MYL2 gene. Splice site prediction tools suggest that this variant may have a significant impact on RNA splicing. However, this prediction has not been confirmed in published RNA studies. This variant has not been reported in individuals affected with MYL2-related disorders in the literature. This variant has been identified in 1/251482 chromosomes in the general population by the Genome Aggregation Database (gnomAD). The available evidence is insufficient to determine the role of this variant in disease conclusively. Therefore, this variant is classified as a Variant of Uncertain Significance.

Genomic Diagnostic Laboratory, Division of Genomic Diagnostics, Children's Hospital of Philadelphia
Classification: Uncertain significance for Familial hypertrophic cardiomyopathy 10. Last evaluated: 2015-02-16. Review status: criteria provided, single submitter. Criteria: DGD Variant Analysis Guidelines. Collection method: clinical testing. Allele origin: unknown.

Literature cited by the submitters: PubMed 17576681 (cited by Labcorp Genetics (formerly Invitae), Labcorp); PubMed 9536098 (cited by Labcorp Genetics (formerly Invitae), Labcorp).